The following is an entry in ClinVar:

NM_001134673.4(NFIA):c.1255-6_1255-5insGC

Gene: NFIA (nuclear factor I A; plus strand). Cytogenetic location: 1p31.3.
Variant type: Insertion.
Coding change: c.1255-6_1255-5insGC on transcript NM_001134673.4 (MANE Select); 6 bases into the intron before coding-DNA position 1255 through 5 bases into the intron before coding-DNA position 1255, GC inserted.
Molecular consequence: intron variant.
Genome position: GRCh38 VCF-style: chr1-61406555-C-CCG. GRCh37 (hg19) VCF-style: chr1-61872227-C-CCG.
Other names: c.1255-6_1255-5insGC (NM_005595.4, NM_005595.5); c.1231-6_1231-5insGC (NM_001145511.2); c.1390-6_1390-5insGC (NM_001145512.2).
Identifiers: ClinVar variation 1501217 (VCV001501217.8), dbSNP rs1553183280, ClinGen allele CA523753530.

ClinVar aggregate classification (germline): Likely benign. Review status: criteria provided, single submitter (1 of 4 stars). 2 submissions from 2 submitters: Likely benign (1). 1 of the submissions does not count toward it. Last evaluated 2024-02-17.

Conditions:
NFIA-Related Disorder. Also called: NFIA-related condition; NFIA-related disorders. Identifiers: MedGen CN381099.

Submissions (2):

Labcorp Genetics (formerly Invitae), Labcorp
Classification: Likely benign. Last evaluated: 2024-02-17. Review status: criteria provided, single submitter. Criteria: Invitae Variant Classification Sherloc (09022015). Collection method: clinical testing. Allele origin: germline.

PreventionGenetics, part of Exact Sciences
Classification: Likely benign for NFIA-related condition. Last evaluated: 2019-06-25. Review status: no assertion criteria provided. Collection method: clinical testing. Allele origin: germline. Not counted in ClinVar's aggregate classification.
Comment: This variant is classified as likely benign based on ACMG/AMP sequence variant interpretation guidelines (Richards et al. 2015 PMID: 25741868, with internal and published modifications).